The following is an entry in ClinVar:

ClinVar aggregate classification (germline): Likely benign. Review status: criteria provided, single submitter (1 of 4 stars). 2 submissions from 2 submitters: Likely benign (1). 1 of the submissions does not count toward it. Last evaluated 2023-07-27.

Conditions:
Glycogen storage disease due to muscle beta-enolase deficiency (GSD13). Also called: ENOLASE 3 DEFICIENCY; ENOLASE-BETA DEFICIENCY; GSD XIII; Glycogen Storage Disease Type XIII. Identifiers: Orphanet 99849, MedGen C2752027, MONDO:0013046, OMIM 612932.
ENO3-related disorder. Also called: ENO3-related condition.

Allele frequency attached by ClinVar (database versions not stated): gnomAD exomes 0.00001; ExAC 0.00002; gnomAD 0.00005; TOPMed 0.00005; ESP Exome Variant Server 0.00008.
gnomAD v4.1: 23 of 1,614,122 alleles (0.0014%); highest among the groups gnomAD compares: African/African-American, 0.012%; no homozygotes.

Submissions (2):

Labcorp Genetics (formerly Invitae), Labcorp
Classification: Likely benign for Glycogen storage disease due to muscle beta-enolase deficiency. Last evaluated: 2023-07-27. Review status: criteria provided, single submitter. Criteria: Invitae Variant Classification Sherloc (09022015). Collection method: clinical testing. Allele origin: germline.

PreventionGenetics, part of Exact Sciences
Classification: Likely benign for ENO3-related condition. Last evaluated: 2020-10-12. Review status: no assertion criteria provided. Collection method: clinical testing. Allele origin: germline. Not counted in ClinVar's aggregate classification.
Comment: This variant is classified as likely benign based on ACMG/AMP sequence variant interpretation guidelines (Richards et al. 2015 PMID: 25741868, with internal and published modifications).

NM_053013.4(ENO3):c.714C>T (p.Asp238=)

Gene: ENO3 (enolase 3; plus strand). Cytogenetic location: 17p13.2.
Variant type: single nucleotide variant.
Coding change: c.714C>T on transcript NM_053013.4 (MANE Select); coding-DNA position 714, C replaced by T.
Protein change: p.Asp238=; no amino-acid change (aspartic acid 238 retained).
Molecular consequence: synonymous variant.
Genome position (GRCh38, 1-based): chr17:4,955,453, C>T. VCF-style: chr17-4955453-C-T. GRCh37 (hg19) VCF-style: chr17-4858748-C-T.
Other names: c.714C>T (NM_053013.3); c.585C>T, p.Asp195= (NM_001193503.2); c.714C>T, p.Asp238= (NM_001374523.1, NM_001976.5); c.741C>T, p.Asp247= (NM_001374524.1).
Identifiers: ClinVar variation 2714966 (VCV002714966.5), dbSNP rs369366731, ClinGen allele CA8316406.